The following is an entry in ClinVar:

ClinVar aggregate classification (germline): Uncertain significance (1 of 4 stars; one submission).

Conditions:
Familial thoracic aortic aneurysm and aortic dissection (TAAD). Also called: Thoracic aortic aneurysms and dissections. Identifiers: Orphanet 91387, MedGen C4707243, MONDO:0019625.

Submission:

Color Diagnostics, LLC DBA Color Health
Classification: Uncertain significance for Familial thoracic aortic aneurysm and aortic dissection. Last evaluated: 2025-02-02. Review status: criteria provided, single submitter. Criteria: ACMG Guidelines, 2015. Collection method: clinical testing. Allele origin: germline.
Comment: This missense variant replaces proline with alanine at codon 426 of the FBN1 protein. Computational prediction suggests that this variant may not impact protein structure and function (internally defined REVEL score threshold <= 0.5, PMID: 27666373). To our knowledge, functional studies have not been reported for this variant. This variant has not been reported in individuals affected with FBN1-related disorders in the literature. This variant has not been identified in the general population by the Genome Aggregation Database (gnomAD). The available evidence is insufficient to determine the role of this variant in disease conclusively. Therefore, this variant is classified as a Variant of Uncertain Significance.

NM_000138.5(FBN1):c.1276C>G (p.Pro426Ala)

Gene: FBN1 (fibrillin 1; minus strand). Cytogenetic location: 15q21.1.
Variant type: single nucleotide variant.
Coding change: c.1276C>G on transcript NM_000138.5 (MANE Select); coding-DNA position 1276, C replaced by G.
Protein change: p.Pro426Ala; replaces proline 426 with alanine.
Molecular consequence: missense variant.
Genome position (GRCh38, 1-based): chr15:48,516,234, G>C on the plus strand (C>G on the coding strand, the complement: FBN1 is on the minus strand). VCF-style: chr15-48516234-G-C. GRCh37 (hg19) VCF-style: chr15-48808431-G-C.
Other names: c.1276C>G, p.Pro426Ala (NM_001406716.1); short protein forms P426A.
Identifiers: ClinVar variation 3894184 (VCV003894184.1).